The following is an entry in ClinVar:

NM_022089.4(ATP13A2):c.2367C>T (p.Leu789=)

Gene: ATP13A2 (ATPase cation transporting 13A2; minus strand). Cytogenetic location: 1p36.13.
Variant type: single nucleotide variant.
Coding change: c.2367C>T on transcript NM_022089.4 (MANE Select); coding-DNA position 2367, C replaced by T.
Protein change: p.Leu789=; no amino-acid change (leucine 789 retained).
Molecular consequence: synonymous variant.
Genome position (GRCh38, 1-based): chr1:16,990,172, G>A on the plus strand (C>T on the coding strand, the complement: ATP13A2 is on the minus strand). VCF-style: chr1-16990172-G-A. GRCh37 (hg19) VCF-style: chr1-17316667-G-A.
Other names: p.Leu789=; c.2352C>T, p.Leu784= (NM_001141973.3, NM_001141974.3).
Identifiers: ClinVar variation 465259 (VCV000465259.20), dbSNP rs140048110, ClinGen allele CA636867.

ClinVar aggregate classification (germline): Benign/Likely benign. Review status: criteria provided, multiple submitters, no conflicts (2 of 4 stars). 6 submissions from 6 submitters: Benign (2); Likely benign (4). Last evaluated 2026-01-25.

Conditions:
Inborn genetic diseases. Identifiers: MedGen C0950123, MeSH D030342.
Kufor-Rakeb syndrome (KRS). Also called: PARKINSON DISEASE 9, AUTOSOMAL RECESSIVE, JUVENILE-ONSET. Identifiers: Orphanet 306674, Orphanet 314632, MedGen C1847640, MONDO:0011706, OMIM 606693.
Autosomal recessive spastic paraplegia type 78. Identifiers: Orphanet 513436, MedGen C5567893, MONDO:0014975, OMIM 617225.

Allele frequency attached by ClinVar (database versions not stated): gnomAD exomes 0.00019 and 0.00043; ExAC 0.00055; 1000 Genomes Project 30x 0.00109; 1000 Genomes Project 0.00120; gnomAD 0.00182 and 0.00195; TOPMed 0.00183; ESP Exome Variant Server 0.00223.
gnomAD v4.1: 570 of 1,614,010 alleles (0.035%); highest among the groups gnomAD compares: African/African-American, 0.68%; 2 homozygotes.

Submissions (6):

Labcorp Genetics (formerly Invitae), Labcorp
Classification: Benign for Kufor-Rakeb syndrome; Autosomal recessive spastic paraplegia type 78. Last evaluated: 2026-01-25. Review status: criteria provided, single submitter. Criteria: Invitae Variant Classification Sherloc (09022015). Collection method: clinical testing. Allele origin: germline.

Mayo Clinic Laboratories, Mayo Clinic
Classification: Likely benign. Last evaluated: 2025-06-30. Review status: criteria provided, single submitter. Criteria: ACMG Guidelines, 2015. Collection method: clinical testing. Allele origin: germline. Observed: 1 variant allele.
Comment: BS1, BP4, BP7

Blueprint Genetics
Classification: Likely benign. Last evaluated: 2024-01-16. Review status: criteria provided, single submitter. Criteria: ACMG Guidelines, 2015. Collection method: clinical testing. Allele origin: germline.

GeneDx
Classification: Likely benign. Last evaluated: 2019-09-16. Review status: criteria provided, single submitter. Criteria: GeneDx Variant Classification Process June 2021. Collection method: clinical testing. Allele origin: germline. Affected: yes.

Athena Diagnostics
Classification: Benign. Last evaluated: 2018-01-25. Review status: criteria provided, single submitter. Criteria: Athena Diagnostics Criteria. Collection method: clinical testing. Allele origin: germline.

Ambry Genetics
Classification: Likely benign for Inborn genetic diseases. Last evaluated: 2016-07-05. Review status: criteria provided, single submitter. Criteria: Ambry Variant Classification Scheme 2023. Collection method: clinical testing. Allele origin: germline.